The following is an entry in ClinVar:

ClinVar aggregate classification (germline): Likely pathogenic. Review status: reviewed by expert panel (3 of 4 stars). 3 submissions from 3 submitters: Likely pathogenic (1). 2 of the submissions do not count toward it. Last evaluated 2025-09-16.

Conditions:
Glycogen storage disease, type II (IOPD). Also called: CARDIOMEGALIA GLYCOGENICA DIFFUSA; GLYCOGENOSIS, GENERALIZED, CARDIAC FORM; GSD II; Glycogen storage disease type 2; Acid maltase deficiency disease; Aglucosidase alfa. Identifiers: Orphanet 365, MedGen C0017921, MONDO:0009290, OMIM 232300.

Submissions (3):

ClinGen Lysosomal Storage Disorder Variant Curation Expert Panel
Classification: Likely pathogenic for Glycogen storage disease, type II. Last evaluated: 2025-09-16. Review status: reviewed by expert panel. Criteria: clingen_lsd_acmg_specifications_v2-1. Collection method: curation. Allele origin: germline. Inheritance: Autosomal recessive inheritance.
Comment: The NM_000152.5:c.1819_1836del variant in GAA is predicted to cause a change in the length of the protein (p.Gly607_His612del) due to an in-frame deletion of 6 amino acids in a non-repeat region (PM4). The variant is absent in gnomAD v4.1.0 (PM2_Supporting). At least 4 patients with findings consistent with Pompe disease have been reported with this variant (PMID:11071489, 33301762, 21803581, FRIGE internal data, VCV003235260.2) GAA activity was reported for 1 patient and was deficient (0% residual activity) (PMID: 33301762) (PP4_Moderate). One patient with infantile onset Pompe disease (IOPD) is homozygous for the variant, (PMID: 33301762), 0.5 points. At least two patients with adult onset Pompe disease are compound heterozygous for the variant and c.32-13T>G (PMID: 11071489, 21803581, pathogenic by ClinGen LD VCEP, phase unknown), 2 x 0.5 points. One patient with IOPD is heterozygous for the variant and another variant classified as likely pathogenic by ClinGen LD VCEP (FRIGE internal data, VCV003235260.2, phase unknown), 0.25 points. Total 1.75 points (PM3). Expression of the variant in COS-7 cells resulted in <2% wild type GAA activity, indicating that this variant may impact protein function (PMID: 19862843)(PS3_supporting). There is a ClinVar entry for this variant (Variation ID: 3235260). In summary, this variant meets the criteria to be classified as likely pathogenic for Pompe disease. GAA-specific ACMG/AMP criteria met, as specified by the ClinGen Lysosomal Diseases Variant Curation Expert Panel (Specifications Version 2.0): PM3, PM4, PP4_Moderate, PM2_Supporting, PS3_Supporting. (Classification approved by the ClinGen Lysosomal Diseases Variant Curation Expert Panel on September 16, 2025)

Genomenon, Inc
Classification: Likely pathogenic for Glycogen storage disease, type II. Last evaluated: 2026-07-01. Review status: criteria provided, single submitter. Criteria: Genomenon Sequence Variant Interpretation Standards - Updated. Collection method: curation. Allele origin: germline. Affected: yes. Not counted in ClinVar's aggregate classification.
Comment: GAA p.Gly607_His612del (c.1819_1836del) is an in-frame deletion that results in the loss of multiple amino acids, from Glycine at codon 607 to Histidine at codon 612. This variant has been observed in at least one proband with a GAA-related disorder in the compound heterozygous and/or homozygous state (PMID:33301762;31606152;21803581;11071489). At least one functional study has demonstrated a substantial alteration in protein function relative to the wild-type (PMID:19862843). It is absent or not present at a significant frequency in gnomAD. In conclusion, we classify GAA p.Gly607_His612del (c.1819_1836del) as a likely pathogenic variant.

Foundation for Research in Genetics and Endocrinology, FRIGE's Institute of Human Genetics
Classification: Pathogenic for Glycogen storage disease, type II. Last evaluated: 2024-04-06. Review status: criteria provided, single submitter. Criteria: ACMG Guidelines, 2015. Collection method: clinical testing. Allele origin: germline. Inheritance: Autosomal recessive inheritance. Affected: yes. Observed: 1 compound heterozygote. Not counted in ClinVar's aggregate classification.
Comment: A heterozygous 18 base pair deletion in exon 13 of the GAA gene that results in deletion of amino acid from codon 607_612. The observed variant c.1819_1836del (p.Gly607_His612del) has not been reported in the 1000 genomes and gnomAD databases. The in silico prediction of the variant is damaging by MutationTaster2 and DANN. In summary, the variant meets our criteria to be classified as pathogenic.

Literature cited by the submitters: PubMed 33301762 (cited by Genomenon, Inc); PubMed 31606152 (cited by Genomenon, Inc); PubMed 21803581 (cited by Genomenon, Inc); PubMed 11071489 (cited by Genomenon, Inc); PubMed 19862843 (cited by Genomenon, Inc).

NM_000152.5(GAA):c.1819_1836del (p.Gly607_His612del)

Gene: GAA (alpha glucosidase; plus strand). Cytogenetic location: 17q25.3.
Variant type: Deletion.
Coding change: c.1819_1836del on transcript NM_000152.5 (MANE Select); coding-DNA positions 1819 to 1836, 18 bases deleted (GGCCGATACGCCGGCCAC).
Protein change: p.Gly607_His612del.
Molecular consequence: inframe deletion.
Genome position (GRCh38, 1-based): chr17:80,112,642-80,112,659, GGCCGATACGCCGGCCAC deleted; deleting any 18 consecutive bases within chr17:80,112,636-80,112,659 gives the same sequence; the c. name uses the placement nearest the transcript's 3' end. VCF-style (leftmost placement, unchanged base first): chr17-80112635-TGGCCACGGCCGATACGCC-T. GRCh37 (hg19) VCF-style: chr17-78086434-TGGCCACGGCCGATACGCC-T.
Other names: p.Gly607_His612del; NM_000152.5(GAA):c.1819_1836del; c.1819_1836del, p.Gly607_His612del (NM_001079803.3, NM_001079804.3, NM_001406741.1 and 1 more transcripts).
Identifiers: ClinVar variation 3235260 (VCV003235260.4), dbSNP rs1555601409, ClinGen allele CA658795266.